The following is an entry in ClinVar:

NM_207122.2(EXT2):c.750del (p.Gln251fs)

Gene: EXT2 (exostosin glycosyltransferase 2; plus strand). Cytogenetic location: 11p11.2.
Variant type: Deletion.
Coding change: c.750del on transcript NM_207122.2 (MANE Select); coding-DNA position 750, one base deleted (G; older notation c.750delG).
Protein change: p.Gln251fs; shifts the reading frame from glutamine 251.
Molecular consequence: frameshift variant.
Genome position (GRCh38, 1-based): chr11:44,124,795, G deleted; the last of 2 consecutive G bases (chr11:44,124,794-44,124,795); deleting either gives the same sequence. VCF-style (leftmost placement, unchanged base first): chr11-44124793-CG-C. GRCh37 (hg19) VCF-style: chr11-44146343-CG-C.
Other names: c.849del, p.Gln284fs (NM_000401.3); c.750del, p.Gln251fs (NM_001178083.3, NM_001389628.1, NM_001389630.1); short protein forms Q284fs, Q251fs.
Identifiers: ClinVar variation 1427412 (VCV001427412.6), dbSNP rs2135014654, ClinGen allele CA2573146316.
Genomic context (GRCh38, chr11:44,124,793, plus strand): 5'-ACCTTGACTAACATACCAGCTGCAATTTTCCAATCACCTGTTTTTTTCCCTTGTAGTCCA[CG>C]GCAATACTTCCTCCTGTCATCTCAGGTGGGTCTCCATCCTGAGTACAGAGAGGACCTAGA-3'

ClinVar aggregate classification (germline): Pathogenic (1 of 4 stars; one submission).

Conditions:
Exostoses, multiple, type 2 (EXT2). Also called: EXOSTOSES, MULTIPLE, TYPE II; Hereditary Multiple Osteochondromatosis, Type II. Identifiers: Orphanet 321, MedGen C1851413, MONDO:0007586, OMIM 133701.

Submission:

Labcorp Genetics (formerly Invitae), Labcorp
Classification: Pathogenic for Exostoses, multiple, type 2. Last evaluated: 2021-05-31. Review status: criteria provided, single submitter. Criteria: Invitae Variant Classification Sherloc (09022015). Collection method: clinical testing. Allele origin: germline.
Comment: This variant is not present in population databases (ExAC no frequency). This variant has not been reported in the literature in individuals with EXT2-related conditions. For these reasons, this variant has been classified as Pathogenic. This sequence change creates a premature translational stop signal (p.Gln251Asnfs*19) in the EXT2 gene. It is expected to result in an absent or disrupted protein product. Loss-of-function variants in EXT2 are known to be pathogenic (PMID: 10679937, 19810120).

Literature cited by the submitters: PubMed 10679937; PubMed 19810120.